The following is an entry in ClinVar:

NM_006885.4(ZFHX3):c.8316C>T (p.His2772=)

Genes: ZFHX3 (zinc finger homeobox 3; minus strand), ZFHX3-AS1 (ZFHX3 antisense RNA 1; plus strand). Cytogenetic location: 16q22.2.
Variant type: single nucleotide variant.
Coding change: c.8316C>T on transcript NM_006885.4 (MANE Select); coding-DNA position 8316, C replaced by T.
Protein change: p.His2772=; no amino-acid change (histidine 2772 retained).
Molecular consequence: synonymous variant.
Genome position (GRCh38, 1-based): chr16:72,794,366, G>A on the plus strand (C>T on the coding strand, the complement: ZFHX3 is on the minus strand). VCF-style: chr16-72794366-G-A. GRCh37 (hg19) VCF-style: chr16-72828265-G-A.
Other names: c.5574C>T, p.His1858= (NM_001164766.2); c.8316C>T, p.His2772= (NM_001386735.1).
Identifiers: ClinVar variation 3056525 (VCV003056525.15), dbSNP rs2229289, ClinGen allele CA8163070.

ClinVar aggregate classification (germline): Benign. Review status: criteria provided, single submitter (1 of 4 stars). 2 submissions from 2 submitters: Benign (1). 1 of the submissions does not count toward it. Last evaluated 2026-06-01.

Conditions:
ZFHX3-related disorder. Also called: ZFHX3-related condition.

Allele frequency attached by ClinVar (database versions not stated): 1000 Genomes Project 0.00260; 1000 Genomes Project 30x 0.00265; ExAC 0.00580; TOPMed 0.00660; gnomAD 0.00681; ESP Exome Variant Server 0.00823; gnomAD exomes 0.01113.
gnomAD v4.1: 16,947 of 1,602,756 alleles (1.1%); highest among the groups gnomAD compares: Non-Finnish European, 1.4%; 113 homozygotes.

Submissions (2):

CeGaT Center for Human Genetics Tuebingen
Classification: Benign. Last evaluated: 2026-06-01. Review status: criteria provided, single submitter. Criteria: CeGaT Center For Human Genetics Tuebingen Variant Classification Criteria Version 2. Collection method: clinical testing. Allele origin: germline. Affected: yes. Observed: 10 variant alleles.
Comment: ZFHX3: BP4, BS1, BS2

PreventionGenetics, part of Exact Sciences
Classification: Benign for ZFHX3-related condition. Last evaluated: 2019-05-13. Review status: no assertion criteria provided. Collection method: clinical testing. Allele origin: germline. Not counted in ClinVar's aggregate classification.
Comment: This variant is classified as benign based on ACMG/AMP sequence variant interpretation guidelines (Richards et al. 2015 PMID: 25741868, with internal and published modifications).